The following is an entry in ClinVar:

NM_000256.3(MYBPC3):c.529del (p.Arg177fs)

Gene: MYBPC3 (myosin binding protein C3; minus strand). Cytogenetic location: 11p11.2.
Variant type: Deletion.
Coding change: c.529del on transcript NM_000256.3 (MANE Select); coding-DNA position 529, one base deleted (C; older notation c.529delC).
Protein change: p.Arg177fs; shifts the reading frame from arginine 177.
Molecular consequence: frameshift variant.
Genome position (GRCh38, 1-based): chr11:47,349,899, G deleted on the plus strand (C on the coding strand, the reverse complement: MYBPC3 is on the minus strand); the first of 3 consecutive G bases (chr11:47,349,899-47,349,901); deleting any one gives the same sequence. VCF-style (leftmost placement, unchanged base first): chr11-47349898-CG-C. GRCh37 (hg19) VCF-style: chr11-47371449-CG-C.
Other names: short protein forms R177fs.
Identifiers: ClinVar variation 2021725 (VCV002021725.4), dbSNP rs2495780934, ClinGen allele CA2580084234.
Genomic context (GRCh38, chr11:47,349,898, plus strand): 5'-ACCCATTTGCCCTTGAACCACTTGACCACAGGCGGCTTCAGGAGGCTGGCGCCGGCCACG[CG>C]GGCTGAGAAGGTGATGCTGCCACCTGCAAAGGCAGGGGCGACAGGCCCGGCTTGGGGAGT-3'

ClinVar aggregate classification (germline): Pathogenic (1 of 4 stars; one submission).

Conditions:
Hypertrophic cardiomyopathy. Also called: HYPERTROPHIC MYOCARDIOPATHY. Identifiers: Orphanet 217569, MedGen C0007194, MeSH D002312, MONDO:0005045, HP:0001639.

Submission:

Labcorp Genetics (formerly Invitae), Labcorp
Classification: Pathogenic for Hypertrophic cardiomyopathy. Last evaluated: 2022-08-05. Review status: criteria provided, single submitter. Criteria: Invitae Variant Classification Sherloc (09022015). Collection method: clinical testing. Allele origin: germline.
Comment: For these reasons, this variant has been classified as Pathogenic. This variant has not been reported in the literature in individuals affected with MYBPC3-related conditions. This variant is not present in population databases (gnomAD no frequency). This sequence change creates a premature translational stop signal (p.Arg177Alafs*8) in the MYBPC3 gene. It is expected to result in an absent or disrupted protein product. Loss-of-function variants in MYBPC3 are known to be pathogenic (PMID: 19574547).

Literature cited by the submitters: PubMed 19574547.